The following is an entry in ClinVar:

ClinVar aggregate classification (germline): Benign (1 of 4 stars; one submission).

Allele frequency attached by ClinVar (database versions not stated): 1000 Genomes Project 0.47784; gnomAD 0.47946 and 0.48159; 1000 Genomes Project 30x 0.48111; TOPMed 0.48760.
gnomAD v4.1: 72,434 of 150,876 alleles (48%); highest among the groups gnomAD compares: Admixed American, 54%; 17,538 homozygotes.

Submission:

GeneDx
Classification: Benign. Last evaluated: 2018-06-14. Review status: criteria provided, single submitter. Criteria: GeneDx Variant Classification (06012015). Collection method: clinical testing. Allele origin: germline. Affected: yes.
Comment: This variant is considered likely benign or benign based on one or more of the following criteria: it is a conservative change, it occurs at a poorly conserved position in the protein, it is predicted to be benign by multiple in silico algorithms, and/or has population frequency not consistent with disease.

NM_017866.6(TMEM70):c.211-193A>G

Gene: TMEM70 (transmembrane protein 70; plus strand). Cytogenetic location: 8q21.11.
Variant type: single nucleotide variant.
Coding change: c.211-193A>G on transcript NM_017866.6 (MANE Select); 193 bases into the intron before coding-DNA position 211, A replaced by G.
Molecular consequence: intron variant.
Genome position (GRCh38, 1-based): chr8:73,978,563, A>G. VCF-style: chr8-73978563-A-G. GRCh37 (hg19) VCF-style: chr8-74890798-A-G.
Other names: c.211-193A>G (NM_001040613.3).
Identifiers: ClinVar variation 675845 (VCV000675845.1), dbSNP rs62509308, ClinGen allele CA179290853.